The following is an entry in ClinVar:

ClinVar aggregate classification (germline): Uncertain significance. Review status: criteria provided, multiple submitters, no conflicts (2 of 4 stars). 2 submissions from 2 submitters: Uncertain significance (2). Last evaluated 2026-05-21.

Conditions:
NLRP1-related disorder. Also called: NLRP1-related condition.

Allele frequency attached by ClinVar (database versions not stated): 1000 Genomes Project 30x 0.00031; gnomAD 0.00001; TOPMed 0.00001; ExAC 0.00002; gnomAD exomes 0.00003; 1000 Genomes Project 0.00020.
gnomAD v4.1: 13 of 1,594,726 alleles (0.00082%); highest among the groups gnomAD compares: East Asian, 0.0023%; no homozygotes.

Submissions (2):

PreventionGenetics, part of Exact Sciences
Classification: Uncertain significance for NLRP1-related condition. Last evaluated: 2026-05-21. Review status: criteria provided, single submitter. Criteria: ACMG Guidelines, 2015. Collection method: clinical testing. Allele origin: germline.
Comment: The NLRP1 c.3296G>A variant is predicted to result in the amino acid substitution p.Arg1099Gln. To our knowledge, this variant has not been reported in the literature. This variant is reported in 0.0066% of alleles in individuals of Latino descent in gnomAD. At this time, the clinical significance of this variant is uncertain due to the absence of conclusive functional and genetic evidence.

Labcorp Genetics (formerly Invitae), Labcorp
Classification: Uncertain significance. Last evaluated: 2025-08-12. Review status: criteria provided, single submitter. Criteria: Invitae Variant Classification Sherloc (09022015). Collection method: clinical testing. Allele origin: germline.
Comment: This sequence change replaces arginine, which is basic and polar, with glutamine, which is neutral and polar, at codon 1099 of the NLRP1 protein (p.Arg1099Gln). This variant is present in population databases (rs199505053, gnomAD 0.007%). This variant has not been reported in the literature in individuals affected with NLRP1-related conditions. ClinVar contains an entry for this variant (Variation ID: 1358655). An algorithm developed to predict the effect of missense changes on protein structure and function outputs the following: PolyPhen-2: "Probably Damaging". The glutamine amino acid residue is found in multiple mammalian species, which suggests that this missense change does not adversely affect protein function. Algorithms developed to predict the effect of sequence changes on RNA splicing suggest that this variant may disrupt the consensus splice site. In summary, the available evidence is currently insufficient to determine the role of this variant in disease. Therefore, it has been classified as a Variant of Uncertain Significance.

NM_033004.4(NLRP1):c.3296G>A (p.Arg1099Gln)

Gene: NLRP1 (NLR family pyrin domain containing 1; minus strand). Cytogenetic location: 17p13.2.
Variant type: single nucleotide variant.
Coding change: c.3296G>A on transcript NM_033004.4 (MANE Select); coding-DNA position 3296, G replaced by A.
Protein change: p.Arg1099Gln; replaces arginine 1099 with glutamine.
Molecular consequence: missense variant.
Genome position (GRCh38, 1-based): chr17:5,532,822, C>T on the plus strand (G>A on the coding strand, the complement: NLRP1 is on the minus strand). VCF-style: chr17-5532822-C-T. GRCh37 (hg19) VCF-style: chr17-5436142-C-T.
Other names: c.3296G>A (NM_033004.3); c.3308G>A, p.Arg1103Gln (NM_001033053.3); c.3296G>A, p.Arg1099Gln (NM_014922.5); c.3206G>A, p.Arg1069Gln (NM_033006.4, NM_033007.4); short protein forms R1099Q, R1069Q, R1103Q.
Identifiers: ClinVar variation 1358655 (VCV001358655.10), dbSNP rs199505053, ClinGen allele CA8326881.